The following is an entry in ClinVar:

ClinVar aggregate classification (germline): Uncertain significance. Review status: criteria provided, multiple submitters, no conflicts (2 of 4 stars). 2 submissions from 2 submitters: Uncertain significance (2). Last evaluated 2025-04-18.

Conditions:
ZFHX4-related disorder. Also called: ZFHX4-related condition.

Submissions (2):

GeneDx
Classification: Uncertain significance. Last evaluated: 2025-04-18. Review status: criteria provided, single submitter. Criteria: GeneDx Variant Classification Process June 2021. Collection method: clinical testing. Allele origin: germline. Affected: yes.
Comment: Not observed at significant frequency in large population cohorts (gnomAD); Frameshift variant predicted to result in protein truncation or nonsense mediated decay in a gene or region of a gene for which loss of function is not a well-established mechanism of disease; Has not been previously published as pathogenic or benign to our knowledge; Variants in candidate genes are classified as variants of uncertain significance in accordance with ACMG guidelines (PMID: 25741868)

PreventionGenetics, part of Exact Sciences
Classification: Uncertain significance for ZFHX4-related condition. Last evaluated: 2024-12-20. Review status: criteria provided, single submitter. Criteria: ACMG Guidelines, 2015. Collection method: clinical testing. Allele origin: germline.
Comment: The ZFHX4 c.5507_5508delAA variant is predicted to result in a frameshift and premature protein termination (p.Gln1836Argfs*4). To our knowledge, this variant has not been reported in the literature or in a large population database, indicating it is rare. Loss-of-function is not a definitively established mechanism of ZFHX4-related disease. Although we suspect that this variant may be pathogenic, at this time, the clinical significance is uncertain due to the absence of conclusive functional and genetic evidence.

NM_024721.5(ZFHX4):c.5507_5508del (p.Gln1836fs)

Gene: ZFHX4 (zinc finger homeobox 4; plus strand). Cytogenetic location: 8q21.13.
Variant type: Deletion.
Coding change: c.5507_5508del on transcript NM_024721.5 (MANE Select); coding-DNA positions 5507 to 5508, 2 bases deleted (AA; older notation c.5507_5508delAA).
Protein change: p.Gln1836fs; shifts the reading frame from glutamine 1836.
Molecular consequence: frameshift variant.
Genome position (GRCh38, 1-based): chr8:76,852,428-76,852,429, AA deleted. VCF-style (leftmost placement, unchanged base first): chr8-76852427-CAA-C. GRCh37 (hg19) VCF-style: chr8-77764663-CAA-C.
Other names: c.5429_5430del, p.Gln1810fs (NM_001410934.1); c.5507_5508delAA (NM_024721.4); short protein forms Q1810fs, Q1836fs.
Identifiers: ClinVar variation 4282434 (VCV004282434.2).